The following is an entry in ClinVar:

NM_001114753.3(ENG):c.579_580del (p.Leu194fs)

Gene: ENG (endoglin; minus strand). Cytogenetic location: 9q34.11.
Variant type: Deletion.
Coding change: c.579_580del on transcript NM_001114753.3 (MANE Select); coding-DNA positions 579 to 580, 2 bases deleted (GC; older notation c.579_580delGC).
Protein change: p.Leu194fs; shifts the reading frame from leucine 194.
Molecular consequence: frameshift variant.
Genome position (GRCh38, 1-based): chr9:127,825,804-127,825,805, GC deleted on the plus strand (GC on the coding strand, the reverse complement: ENG is on the minus strand); deleting any 2 consecutive bases within chr9:127,825,804-127,825,806 gives the same sequence; the c. name uses the placement nearest the transcript's 3' end. VCF-style (leftmost placement, unchanged base first): chr9-127825803-AGC-A. GRCh37 (hg19) VCF-style: chr9-130588082-AGC-A.
Other names: c.578_579delCG, p.Leu194Argfs (NM_000118.4, NM_001406715.1); c.33_34del, p.Leu12fs (NM_001278138.2); short protein forms L12fs, L194fs.
Identifiers: ClinVar variation 2428556 (VCV002428556.3), dbSNP rs2539076176, ClinGen allele CA2580079692.

ClinVar aggregate classification (germline): Pathogenic (1 of 4 stars; one submission).

Conditions:
Telangiectasia, hereditary hemorrhagic, type 1 (HHT1). Also called: Osler Weber Rendu syndrome type 1; ENG-Related Hereditary Hemorrhagic Telangiectasia. Identifiers: Orphanet 774, MedGen C4551861, MONDO:0008535, OMIM 187300. Disease mechanism: loss of function.

Submission:

ARUP Laboratories, Molecular Genetics and Genomics, ARUP Laboratories
Classification: Pathogenic for Telangiectasia, hereditary hemorrhagic, type 1. Last evaluated: 2022-05-05. Review status: criteria provided, single submitter. Criteria: ARUP Molecular Germline Variant Investigation Process 2021. Collection method: clinical testing. Allele origin: germline.
Comment: The ENG c.579_580delGC; p.Leu194ArgfsTer139 variant, to our knowledge, is not reported in the medical literature or gene specific databases. This variant is also absent from the Genome Aggregation Database, indicating it is not a common polymorphism. This variant causes a frameshift by deleting 2 nucleotides, so it is predicted to result in a truncated protein or mRNA subject to nonsense-mediated decay. Additionally, several downstream truncating variants have been described in individuals with HHT and are considered pathogenic (Bayrak-Toydemir 2006, Bossler 2006, Torring 2014). Based on available information, this variant is classified as pathogenic. References: Bayrak-Toydemir P et al. Genotype-phenotype correlation in hereditary hemorrhagic telangiectasia: mutations and manifestations. Am J Med Genet A. 2006 Mar 1;140(5):463-70. Bossler AD et al. Novel mutations in ENG and ACVRL1 identified in a series of 200 individuals undergoing clinical genetic testing for hereditary hemorrhagic telangiectasia (HHT): correlation of genotype with phenotype. Hum Mutat. 2006 Jul;27(7):667-75. Torring PM et al. National mutation study among Danish patients with hereditary haemorrhagic telangiectasia. Clin Genet. 2014 Aug;86(2):123-33.